The following is an entry in ClinVar:

NM_000543.5(SMPD1):c.661C>A (p.Pro221Thr)

Gene: SMPD1 (sphingomyelin phosphodiesterase 1; plus strand). Cytogenetic location: 11p15.4.
Variant type: single nucleotide variant.
Coding change: c.661C>A on transcript NM_000543.5 (MANE Select); coding-DNA position 661, C replaced by A.
Protein change: p.Pro221Thr; replaces proline 221 with threonine.
Molecular consequence: missense variant. On other transcripts: 5 prime UTR variant (1), non-coding transcript variant (1).
Genome position (GRCh38, 1-based): chr11:6,391,726, C>A. VCF-style: chr11-6391726-C-A. GRCh37 (hg19) VCF-style: chr11-6412956-C-A.
Other names: c.658C>A, p.Pro220Thr (NM_001007593.3); c.661C>A, p.Pro221Thr (NM_001318087.2, NM_001365135.2); c.-301C>A (NM_001318088.2); short protein forms P220T, P221T.
Identifiers: ClinVar variation 1443653 (VCV001443653.8), dbSNP rs2134010893, ClinGen allele CA379370695.

ClinVar aggregate classification (germline): Uncertain significance (1 of 4 stars; one submission).

Conditions:
Niemann-Pick disease, type B. Also called: Chronic Visceral ASMD (Niemann-Pick Disease Type B; NPD-B). Identifiers: Orphanet 77293, MedGen C0268243, MONDO:0011871, OMIM 607616. Disease mechanism: loss of function.
Niemann-Pick disease, type A. Also called: Infantile Neurovisceral ASMD (Niemann-Pick Disease Type A; NPD-A); SPHINGOMYELIN LIPIDOSIS; SPHINGOMYELINASE DEFICIENCY. Identifiers: Orphanet 77292, MedGen C0268242, MONDO:0009756, OMIM 257200. Disease mechanism: loss of function.

Allele frequency attached by ClinVar (database versions not stated): gnomAD exomes below 0.00001.

Submission:

Labcorp Genetics (formerly Invitae), Labcorp
Classification: Uncertain significance for Niemann-Pick disease, type B; Niemann-Pick disease, type A. Last evaluated: 2021-02-25. Review status: criteria provided, single submitter. Criteria: Invitae Variant Classification Sherloc (09022015). Collection method: clinical testing. Allele origin: germline.
Comment: This sequence change replaces proline with threonine at codon 221 of the SMPD1 protein (p.Pro221Thr). The proline residue is moderately conserved and there is a small physicochemical difference between proline and threonine. This variant is not present in population databases (ExAC no frequency). This variant has not been reported in the literature in individuals with SMPD1-related conditions. Advanced modeling of protein sequence and biophysical properties (such as structural, functional, and spatial information, amino acid conservation, physicochemical variation, residue mobility, and thermodynamic stability) performed at Invitae indicates that this missense variant is not expected to disrupt SMPD1 protein function. In summary, the available evidence is currently insufficient to determine the role of this variant in disease. Therefore, it has been classified as a Variant of Uncertain Significance.